The following is an entry in ClinVar:

NM_001080397.3(SLC45A1):c.600G>A (p.Val200=)

Gene: SLC45A1 (solute carrier family 45 member 1; plus strand). Cytogenetic location: 1p36.23.
Variant type: single nucleotide variant.
Coding change: c.600G>A on transcript NM_001080397.3 (MANE Select); coding-DNA position 600, G replaced by A.
Protein change: p.Val200=; no amino-acid change (valine 200 retained).
Molecular consequence: synonymous variant.
Genome position (GRCh38, 1-based): chr1:8,325,927, G>A. VCF-style: chr1-8325927-G-A. GRCh37 (hg19) VCF-style: chr1-8385987-G-A.
Identifiers: ClinVar variation 729656 (VCV000729656.33), dbSNP rs61746716, ClinGen allele CA570137.

ClinVar aggregate classification (germline): Benign/Likely benign. Review status: criteria provided, multiple submitters, no conflicts (2 of 4 stars). 4 submissions from 4 submitters: Benign (1); Likely benign (2). 1 of the submissions does not count toward it. Last evaluated 2025-11-01.

Conditions:
SLC45A1-related disorder. Also called: SLC45A1-related condition.

Allele frequency attached by ClinVar (database versions not stated): 1000 Genomes Project 30x 0.00187; gnomAD 0.00198 and 0.00181; TOPMed 0.00226; ESP Exome Variant Server 0.00315; gnomAD exomes 0.00015 and 0.00050; ExAC 0.00071; 1000 Genomes Project 0.00180.
gnomAD v4.1: 521 of 1,614,002 alleles (0.032%); highest among the groups gnomAD compares: African/African-American, 0.61%; 6 homozygotes.

Submissions (4):

CeGaT Center for Human Genetics Tuebingen
Classification: Likely benign. Last evaluated: 2025-11-01. Review status: criteria provided, single submitter. Criteria: CeGaT Center For Human Genetics Tuebingen Variant Classification Criteria Version 2. Collection method: clinical testing. Allele origin: germline. Affected: yes. Observed: 3 variant alleles.
Comment: SLC45A1: BP4, BP7

Blueprint Genetics
Classification: Likely benign. Last evaluated: 2024-11-13. Review status: criteria provided, single submitter. Criteria: ACMG Guidelines, 2015. Collection method: clinical testing. Allele origin: germline.

Labcorp Genetics (formerly Invitae), Labcorp
Classification: Benign. Last evaluated: 2018-06-18. Review status: criteria provided, single submitter. Criteria: Invitae Variant Classification Sherloc (09022015). Collection method: clinical testing. Allele origin: germline.

PreventionGenetics, part of Exact Sciences
Classification: Likely benign for SLC45A1-related condition. Last evaluated: 2019-07-25. Review status: no assertion criteria provided. Collection method: clinical testing. Allele origin: germline. Not counted in ClinVar's aggregate classification.
Comment: This variant is classified as likely benign based on ACMG/AMP sequence variant interpretation guidelines (Richards et al. 2015 PMID: 25741868, with internal and published modifications).